The following is an entry in ClinVar:

NM_201384.3(PLEC):c.2693G>T (p.Ser898Ile)

Gene: PLEC (plectin; minus strand). Cytogenetic location: 8q24.3.
Variant type: single nucleotide variant.
Coding change: c.2693G>T on transcript NM_201384.3 (MANE Select); coding-DNA position 2693, G replaced by T.
Protein change: p.Ser898Ile; replaces serine 898 with isoleucine.
Molecular consequence: missense variant.
Genome position (GRCh38, 1-based): chr8:143,929,982, C>A on the plus strand (G>T on the coding strand, the complement: PLEC is on the minus strand). VCF-style: chr8-143929982-C-A. GRCh37 (hg19) VCF-style: chr8-145004150-C-A.
Other names: c.2774G>T, p.Ser925Ile (NM_000445.5, NM_001410941.1); c.2651G>T, p.Ser884Ile (NM_201378.4); c.2627G>T, p.Ser876Ile (NM_201379.3); c.3104G>T, p.Ser1035Ile (NM_201380.4); c.2597G>T, p.Ser866Ile (NM_201381.3); c.2693G>T, p.Ser898Ile (NM_201382.4); c.2705G>T, p.Ser902Ile (NM_201383.3); short protein forms S1035I, S866I, S876I, S884I, S898I, S902I, S925I.
Identifiers: ClinVar variation 1718012 (VCV001718012.6), dbSNP rs782244583, ClinGen allele CA372573142.

ClinVar aggregate classification (germline): Uncertain significance (1 of 4 stars; one submission).

Conditions:
Epidermolysis bullosa simplex 5C, with pyloric atresia (EBS5C). Also called: PLEC-Related Epidermolysis Bullosa with Pyloric Atresia; Epidermolysis bullosa simplex with pyloric atresia; PLEC1-Related Epidermolysis Bullosa with Pyloric Atresia. Identifiers: Orphanet 158684, MedGen C2677349, MONDO:0012807, OMIM 612138.
Autosomal recessive limb-girdle muscular dystrophy type 2Q (LGMDR17). Also called: MUSCULAR DYSTROPHY, LIMB-GIRDLE, AUTOSOMAL RECESSIVE 17. Identifiers: Orphanet 254361, MedGen C3150989, MONDO:0013390, OMIM 613723.
Epidermolysis bullosa simplex 5B, with muscular dystrophy (EBS5B). Also called: Epidermolysis bullosa simplex with muscular dystrophy; EPIDERMOLYSIS BULLOSA SIMPLEX AND LIMB-GIRDLE MUSCULAR DYSTROPHY. Identifiers: Orphanet 257, MedGen C2931072, MONDO:0009181, OMIM 226670.
Epidermolysis bullosa simplex, Ogna type (EBS5A). Also called: EPIDERMOLYSIS BULLOSA SIMPLEX 5A, OGNA TYPE; Pidermolysis bullosa simplex 5A, Ogna type. Identifiers: Orphanet 79401, MedGen C0432317, MONDO:0007555, OMIM 131950.
Epidermolysis bullosa simplex with nail dystrophy (EBS5D). Identifiers: MedGen C4225309, MONDO:0014661, OMIM 616487.

Submission:

Labcorp Genetics (formerly Invitae), Labcorp
Classification: Uncertain significance for Autosomal recessive limb-girdle muscular dystrophy type 2Q; Epidermolysis bullosa simplex, Ogna type; Epidermolysis bullosa simplex with nail dystrophy; Epidermolysis bullosa simplex 5C, with pyloric atresia; Epidermolysis bullosa simplex 5B, with muscular dystrophy. Last evaluated: 2022-08-25. Review status: criteria provided, single submitter. Criteria: Invitae Variant Classification Sherloc (09022015). Collection method: clinical testing. Allele origin: germline.
Comment: In summary, the available evidence is currently insufficient to determine the role of this variant in disease. Therefore, it has been classified as a Variant of Uncertain Significance. Algorithms developed to predict the effect of missense changes on protein structure and function are either unavailable or do not agree on the potential impact of this missense change (SIFT: "Tolerated"; PolyPhen-2: "Not Available"; Align-GVGD: "Class C0"). This variant has not been reported in the literature in individuals affected with PLEC-related conditions. This variant is not present in population databases (gnomAD no frequency). This sequence change replaces serine, which is neutral and polar, with isoleucine, which is neutral and non-polar, at codon 925 of the PLEC protein (p.Ser925Ile).